The following is an entry in ClinVar:

ClinVar aggregate classification (germline): Uncertain significance (1 of 4 stars; one submission).

Conditions:
Duchenne muscular dystrophy (DMD). Also called: MUSCULAR DYSTROPHY, PSEUDOHYPERTROPHIC PROGRESSIVE, DUCHENNE TYPE; Duchenne Muscular Dystrophy (DMD). Identifiers: Orphanet 98896, MedGen C0013264, MONDO:0010679, OMIM 310200.

Submission:

Labcorp Genetics (formerly Invitae), Labcorp
Classification: Uncertain significance for Duchenne muscular dystrophy. Last evaluated: 2024-02-25. Review status: criteria provided, single submitter. Criteria: Invitae Variant Classification Sherloc (09022015). Collection method: clinical testing. Allele origin: germline.
Comment: This sequence change replaces serine, which is neutral and polar, with glycine, which is neutral and non-polar, at codon 599 of the DMD protein (p.Ser599Gly). This variant is not present in population databases (gnomAD no frequency). This variant has not been reported in the literature in individuals affected with DMD-related conditions. Advanced modeling of protein sequence and biophysical properties (such as structural, functional, and spatial information, amino acid conservation, physicochemical variation, residue mobility, and thermodynamic stability) performed at Invitae indicates that this missense variant is not expected to disrupt DMD protein function with a negative predictive value of 95%. In summary, the available evidence is currently insufficient to determine the role of this variant in disease. Therefore, it has been classified as a Variant of Uncertain Significance.

NM_004006.3(DMD):c.1795A>G (p.Ser599Gly)

Gene: DMD (dystrophin; minus strand). Cytogenetic location: Xp21.1.
Variant type: single nucleotide variant.
Coding change: c.1795A>G on transcript NM_004006.3 (MANE Select); coding-DNA position 1795, A replaced by G.
Protein change: p.Ser599Gly; replaces serine 599 with glycine.
Molecular consequence: missense variant.
Genome position (GRCh38, 1-based): chrX:32,573,547, T>C on the plus strand (A>G on the coding strand, the complement: DMD is on the minus strand). VCF-style: chrX-32573547-T-C. GRCh37 (hg19) VCF-style: chrX-32591664-T-C.
Other names: c.1771A>G, p.Ser591Gly (NM_000109.4); c.1783A>G, p.Ser595Gly (NM_004009.3); c.1426A>G, p.Ser476Gly (NM_004010.3); short protein forms S595G, S476G, S591G, S599G.
Identifiers: ClinVar variation 3634861 (VCV003634861.2).